The following is an entry in ClinVar:

NM_054027.6(ANKH):c.39G>C (p.Leu13=)

Gene: ANKH (ANKH inorganic pyrophosphate transport regulator; minus strand). Cytogenetic location: 5p15.2.
Variant type: single nucleotide variant.
Coding change: c.39G>C on transcript NM_054027.6 (MANE Select); coding-DNA position 39, G replaced by C.
Protein change: p.Leu13=; no amino-acid change (leucine 13 retained).
Molecular consequence: synonymous variant.
Genome position (GRCh38, 1-based): chr5:14,871,409, C>G on the plus strand (G>C on the coding strand, the complement: ANKH is on the minus strand). VCF-style: chr5-14871409-C-G. GRCh37 (hg19) VCF-style: chr5-14871518-C-G.
Identifiers: ClinVar variation 351925 (VCV000351925.12), dbSNP rs748751320, ClinGen allele CA3209260.

ClinVar aggregate classification (germline): Likely benign. Review status: criteria provided, multiple submitters, no conflicts (2 of 4 stars). 3 submissions from 2 submitters: Likely benign (3). Last evaluated 2021-09-04.

Conditions:
Chondrocalcinosis 2. Also called: CALCIUM GOUT; CALCIUM PYROPHOSPHATE ARTHROPATHY; Familial calcium pyrophosphate deposition. Identifiers: Orphanet 1416, MedGen C0856830, MONDO:0007319, OMIM 118600.
Craniometaphyseal dysplasia, autosomal dominant (CMDD). Identifiers: Orphanet 1522, MedGen C1852502, MONDO:0007397, OMIM 123000.

Allele frequency attached by ClinVar (database versions not stated): gnomAD exomes 0.00001; TOPMed 0.00001; ExAC 0.00002.
gnomAD v4.1: 8 of 1,613,418 alleles (0.0005%); highest among the groups gnomAD compares: Non-Finnish European, 0.00068%; no homozygotes.

Submissions (3):

Labcorp Genetics (formerly Invitae), Labcorp
Classification: Likely benign. Last evaluated: 2021-09-04. Review status: criteria provided, single submitter. Criteria: Invitae Variant Classification Sherloc (09022015). Collection method: clinical testing. Allele origin: germline.

Illumina Laboratory Services, Illumina
Classification: Likely benign for Craniometaphyseal dysplasia, autosomal dominant. Last evaluated: 2018-01-13. Review status: criteria provided, single submitter. Criteria: ICSL Variant Classification Criteria 13 December 2019. Collection method: clinical testing. Allele origin: germline.
Comment: This variant was observed in the ICSL laboratory as part of a predisposition screen in an ostensibly healthy population. It had not been previously curated by ICSL or reported in the Human Gene Mutation Database (HGMD: prior to June 1st, 2018), and was therefore a candidate for classification through an automated scoring system. Utilizing variant allele frequency, disease prevalence and penetrance estimates, and inheritance mode, an automated score was calculated to assess if this variant is too frequent to cause the disease. Based on the score and internal cut-off values, a variant classified as likely benign is not then subjected to further curation. The score for this variant resulted in a classification of likely benign for this disease.

Illumina Laboratory Services, Illumina
Classification: Likely benign for Chondrocalcinosis 2. Last evaluated: 2018-01-13. Review status: criteria provided, single submitter. Criteria: ICSL Variant Classification Criteria 13 December 2019. Collection method: clinical testing. Allele origin: germline.
Comment: the same text as in the submission from Illumina Laboratory Services, Illumina above.